The following is an entry in ClinVar:

ClinVar aggregate classification (germline): Likely benign. Review status: criteria provided, multiple submitters, no conflicts (2 of 4 stars). 4 submissions from 4 submitters: Likely benign (3). 1 of the submissions does not count toward it. Last evaluated 2026-01-07.

Conditions:
Amyotrophic lateral sclerosis type 4 (ALS4). Also called: AMYOTROPHIC LATERAL SCLEROSIS 4, JUVENILE; NEURONOPATHY, DISTAL HEREDITARY MOTOR, WITH PYRAMIDAL FEATURES. Identifiers: Orphanet 357043, MedGen C1865409, MONDO:0011223, OMIM 602433.
Spinocerebellar ataxia, autosomal recessive, with axonal neuropathy 2 (SCAN2). Also called: Ataxia with Oculomotor Apraxia; Ataxia-ocular apraxia-2; Ataxia with Oculomotor Apraxia Type 2; ATAXIA-OCULOMOTOR APRAXIA 2. Identifiers: Orphanet 64753, MedGen C1853761, MONDO:0018996, OMIM 606002.
SETX-related disorder. Also called: SETX-related condition; SETX-related disorders. Identifiers: MedGen CN239403.

Allele frequency attached by ClinVar (database versions not stated): gnomAD exomes 0.00004; ExAC 0.00005; gnomAD 0.00005; TOPMed 0.00005; 1000 Genomes Project 0.00020; 1000 Genomes Project 30x 0.00031.
gnomAD v4.1: 114 of 1,613,998 alleles (0.0071%); highest among the groups gnomAD compares: Non-Finnish European, 0.0086%; no homozygotes.

Submissions (4):

Labcorp Genetics (formerly Invitae), Labcorp
Classification: Likely benign for Amyotrophic lateral sclerosis type 4; Spinocerebellar ataxia, autosomal recessive, with axonal neuropathy 2. Last evaluated: 2026-01-07. Review status: criteria provided, single submitter. Criteria: Invitae Variant Classification Sherloc (09022015). Collection method: clinical testing. Allele origin: germline.

Blueprint Genetics
Classification: Likely benign. Last evaluated: 2024-10-23. Review status: criteria provided, single submitter. Criteria: ACMG Guidelines, 2015. Collection method: clinical testing. Allele origin: germline.

CeGaT Center for Human Genetics Tuebingen
Classification: Likely benign. Last evaluated: 2023-06-01. Review status: criteria provided, single submitter. Criteria: CeGaT Center For Human Genetics Tuebingen Variant Classification Criteria Version 2. Collection method: clinical testing. Allele origin: germline. Affected: yes. Observed: 1 variant allele.
Comment: SETX: BP4, BP7

PreventionGenetics, part of Exact Sciences
Classification: Likely benign for SETX-related condition. Last evaluated: 2020-01-03. Review status: no assertion criteria provided. Collection method: clinical testing. Allele origin: germline. Not counted in ClinVar's aggregate classification.
Comment: This variant is classified as likely benign based on ACMG/AMP sequence variant interpretation guidelines (Richards et al. 2015 PMID: 25741868, with internal and published modifications).

NM_015046.7(SETX):c.807G>A (p.Ser269=)

Gene: SETX (senataxin; minus strand). Cytogenetic location: 9q34.13.
Variant type: single nucleotide variant.
Coding change: c.807G>A on transcript NM_015046.7 (MANE Select); coding-DNA position 807, G replaced by A.
Protein change: p.Ser269=; no amino-acid change (serine 269 retained).
Molecular consequence: synonymous variant.
Genome position (GRCh38, 1-based): chr9:132,334,639, C>T on the plus strand (G>A on the coding strand, the complement: SETX is on the minus strand). VCF-style: chr9-132334639-C-T. GRCh37 (hg19) VCF-style: chr9-135210026-C-T.
Other names: c.807G>A, p.Ser269= (NM_001351527.2, NM_001351528.2); c.807G>A (NM_015046.5).
Identifiers: ClinVar variation 1529004 (VCV001529004.34), dbSNP rs147677608, ClinGen allele CA5297935.